The following is an entry in ClinVar:

NM_001369369.1(FOXN1):c.263C>T (p.Pro88Leu)

Gene: FOXN1 (forkhead box N1; plus strand). Cytogenetic location: 17q11.2.
Variant type: single nucleotide variant.
Coding change: c.263C>T on transcript NM_001369369.1 (MANE Select); coding-DNA position 263, C replaced by T.
Protein change: p.Pro88Leu; replaces proline 88 with leucine.
Molecular consequence: missense variant.
Genome position (GRCh38, 1-based): chr17:28,524,642, C>T. VCF-style: chr17-28524642-C-T. GRCh37 (hg19) VCF-style: chr17-26851660-C-T.
Other names: c.263C>T, p.Pro88Leu (NM_003593.3); short protein forms P88L.
Identifiers: ClinVar variation 3022911 (VCV003022911.3), dbSNP rs2508355252, ClinGen allele CA398320974.

ClinVar aggregate classification (germline): Uncertain significance (1 of 4 stars; one submission).

Conditions:
T-cell immunodeficiency, congenital alopecia, and nail dystrophy. Also called: Congenital alopecia and nail dystrophy associated with severe functional T-cell immunodeficiency; Pignata Guarino syndrome. Identifiers: Orphanet 169095, MedGen C1866426, MONDO:0011132, OMIM 601705.

Submission:

Labcorp Genetics (formerly Invitae), Labcorp
Classification: Uncertain significance for T-cell immunodeficiency, congenital alopecia, and nail dystrophy. Last evaluated: 2024-12-02. Review status: criteria provided, single submitter. Criteria: Invitae Variant Classification Sherloc (09022015). Collection method: clinical testing. Allele origin: germline.
Comment: This sequence change replaces proline, which is neutral and non-polar, with leucine, which is neutral and non-polar, at codon 88 of the FOXN1 protein (p.Pro88Leu). This variant is not present in population databases (gnomAD no frequency). This variant has not been reported in the literature in individuals affected with FOXN1-related conditions. ClinVar contains an entry for this variant (Variation ID: 3022911). Invitae Evidence Modeling of protein sequence and biophysical properties (such as structural, functional, and spatial information, amino acid conservation, physicochemical variation, residue mobility, and thermodynamic stability) indicates that this missense variant is not expected to disrupt FOXN1 protein function with a negative predictive value of 80%. In summary, the available evidence is currently insufficient to determine the role of this variant in disease. Therefore, it has been classified as a Variant of Uncertain Significance.